The following is an entry in ClinVar:

NM_004370.6(COL12A1):c.2210_2213del (p.Asp737fs)

Gene: COL12A1 (collagen type XII alpha 1 chain; minus strand). Cytogenetic location: 6q13.
Variant type: Deletion.
Coding change: c.2210_2213del on transcript NM_004370.6 (MANE Select); coding-DNA positions 2210 to 2213, 4 bases deleted (ATAG; older notation c.2210_2213delATAG).
Protein change: p.Asp737fs; shifts the reading frame from aspartic acid 737.
Molecular consequence: frameshift variant. On other transcripts: intron variant (2).
Genome position (GRCh38, 1-based): chr6:75,177,887-75,177,890, CTAT deleted on the plus strand (ATAG on the coding strand, the reverse complement: COL12A1 is on the minus strand); deleting any 4 consecutive bases within chr6:75,177,887-75,177,892 gives the same sequence; the c. name uses the placement nearest the transcript's 3' end. VCF-style (leftmost placement, unchanged base first): chr6-75177886-ACTAT-A. GRCh37 (hg19) VCF-style: chr6-75887602-ACTAT-A.
Other names: c.2210_2213del, p.Asp737fs (NM_001424113.1, NM_001424114.1, NM_001424115.1); c.73+24830_73+24833del (NM_001424116.1, NM_080645.3); short protein forms D737fs.
Identifiers: ClinVar variation 4852650 (VCV004852650.2).

ClinVar aggregate classification (germline): Likely pathogenic (1 of 4 stars; one submission).

Submission:

Dasa
Classification: Likely pathogenic. Last evaluated: 2025-11-27. Review status: criteria provided, single submitter. Criteria: DASA Assertion Criteria. Collection method: clinical testing. Allele origin: germline.
Comment: NM_004370.6(COL12A1):c.2210_2213del (p.Asp737Valfs*14) is a frameshift variant in COL12A1 predicted to alter the reading frame and introduce a premature termination codon and is predicted to result in an absent or altered protein product. Loss of function is an established disease mechanism for COL12A1-associated disorders. Also, this variant is absent from population databases. Based on the currently available evidence, this variant is classified as likely pathogenic.